The following is an entry in ClinVar:

NM_005632.3(CAPN15):c.585C>T (p.Val195=)

Gene: CAPN15 (calpain 15; plus strand). Cytogenetic location: 16p13.3.
Variant type: single nucleotide variant.
Coding change: c.585C>T on transcript NM_005632.3 (MANE Select); coding-DNA position 585, C replaced by T.
Protein change: p.Val195=; no amino-acid change (valine 195 retained).
Molecular consequence: synonymous variant.
Genome position (GRCh38, 1-based): chr16:547,423, C>T. VCF-style: chr16-547423-C-T. GRCh37 (hg19) VCF-style: chr16-597423-C-T.
Identifiers: ClinVar variation 3052432 (VCV003052432.2), dbSNP rs369551311, ClinGen allele CA7778110.

ClinVar aggregate classification (germline): Likely benign (0 of 4 stars; one submission).

Conditions:
CAPN15-related disorder. Also called: CAPN15-related condition.

Allele frequency attached by ClinVar (database versions not stated): ExAC 0.00118; 1000 Genomes Project 30x 0.00141; 1000 Genomes Project 0.00160.

Submission:

PreventionGenetics, part of Exact Sciences
Classification: Likely benign for CAPN15-related condition. Last evaluated: 2019-08-21. Review status: no assertion criteria provided. Collection method: clinical testing. Allele origin: germline.
Comment: This variant is classified as likely benign based on ACMG/AMP sequence variant interpretation guidelines (Richards et al. 2015 PMID: 25741868, with internal and published modifications).